The following is an entry in ClinVar:

NM_020163.3(SEMA3G):c.205C>T (p.Arg69Cys)

Gene: SEMA3G (semaphorin 3G; minus strand). Cytogenetic location: 3p21.1.
Variant type: single nucleotide variant.
Coding change: c.205C>T on transcript NM_020163.3 (MANE Select); coding-DNA position 205, C replaced by T.
Protein change: p.Arg69Cys; replaces arginine 69 with cysteine.
Molecular consequence: missense variant.
Genome position (GRCh38, 1-based): chr3:52,442,818, G>A on the plus strand (C>T on the coding strand, the complement: SEMA3G is on the minus strand). VCF-style: chr3-52442818-G-A. GRCh37 (hg19) VCF-style: chr3-52476834-G-A.
Other names: c.205C>T (NM_020163.1); short protein forms R69C.
Identifiers: ClinVar variation 2635674 (VCV002635674.4), dbSNP rs766342982, ClinGen allele CA2438425.

ClinVar aggregate classification (germline): Uncertain significance. Review status: criteria provided, single submitter (1 of 4 stars). 2 submissions from 2 submitters: Uncertain significance (1). 1 of the submissions does not count toward it. Last evaluated 2024-10-11.

Conditions:
SEMA3G-related disorder. Also called: SEMA3G-related condition.

Allele frequency attached by ClinVar (database versions not stated): gnomAD exomes 0.00003; gnomAD 0.00004; ExAC 0.00005; TOPMed 0.00007.

Submissions (2):

Ambry Genetics
Classification: Uncertain significance. Last evaluated: 2024-10-11. Review status: criteria provided, single submitter. Criteria: Ambry Variant Classification Scheme 2023. Collection method: clinical testing. Allele origin: germline.

PreventionGenetics, part of Exact Sciences
Classification: Uncertain significance for SEMA3G-related condition. Last evaluated: 2024-02-06. Review status: no assertion criteria provided. Collection method: clinical testing. Allele origin: germline. Not counted in ClinVar's aggregate classification.
Comment: The SEMA3G c.205C>T variant is predicted to result in the amino acid substitution p.Arg69Cys. To our knowledge, this variant has not been reported in the literature. This variant is reported in 0.013% of alleles in individuals of African descent in gnomAD. At this time, the clinical significance of this variant is uncertain due to the absence of conclusive functional and genetic evidence.